The following is an entry in ClinVar:

NM_001005242.3(PKP2):c.1641A>G (p.Arg547=)

Gene: PKP2 (plakophilin 2; minus strand). Cytogenetic location: 12p11.21.
Variant type: single nucleotide variant.
Coding change: c.1641A>G on transcript NM_001005242.3 (MANE Select); coding-DNA position 1641, A replaced by G.
Protein change: p.Arg547=; no amino-acid change (arginine 547 retained).
Molecular consequence: synonymous variant.
Genome position (GRCh38, 1-based): chr12:32,824,078, T>C on the plus strand (A>G on the coding strand, the complement: PKP2 is on the minus strand). VCF-style: chr12-32824078-T-C. GRCh37 (hg19) VCF-style: chr12-32977012-T-C.
Other names: c.1773A>G, p.Arg591= (NM_004572.4).
Identifiers: ClinVar variation 1456270 (VCV001456270.10), dbSNP rs1264399626, ClinGen allele CA479176568.
Genomic context (GRCh38, chr12:32,824,078, plus strand): 5'-AAACAGGATATTTATCTCTTGAATTACCTTGTCATCTGGCTGGTAATCTGCAATGGTTCC[T>C]CTGACATAATGGACCAGTGAGTCAATGAGTCCGTCACATCTTCTCATCGCTTTTCTCCCA-3'
Protein context (NP_001005242.2, residues 537-557): GLIDSLVHYV[Arg547=]GTIADYQPDD

ClinVar aggregate classification (germline): Conflicting classifications of pathogenicity. Review status: criteria provided, conflicting classifications (1 of 4 stars). 3 submissions from 3 submitters: Uncertain significance (2); Likely benign (1). Last evaluated 2024-03-04.

Conditions:
Arrhythmogenic right ventricular cardiomyopathy (ARVD). Also called: Cardiomyopathy, ARVC; Arrhythmogenic right ventricular dysplasia; Arrhythmogenic Right Ventricular Cardiomyopathy (ARVC); Arrhythmogenic cardiomyopathy. Identifiers: Orphanet 247, MedGen C0349788, MeSH D019571, MONDO:0016587. Disease mechanism: loss of function. Inheritance: Various modes of inheritance.
Cardiomyopathy (CMYO). Also called: Cardiomyopathies. Identifiers: Orphanet 167848, MedGen C0878544, MONDO:0004994, HP:0001638. Inheritance: Various modes of inheritance.
Arrhythmogenic right ventricular dysplasia 9 (ARVD9). Also called: Arrhythmogenic Right Ventricular Dysplasia/Cardiomyopathy 9; ARRHYTHMOGENIC RIGHT VENTRICULAR DYSPLASIA, FAMILIAL, 9. Identifiers: MedGen C1836906, MONDO:0012180, OMIM 609040.

Allele frequency attached by ClinVar (database versions not stated): gnomAD exomes below 0.00001; gnomAD 0.00001; TOPMed 0.00001.
gnomAD v4.1: 7 of 1,608,718 alleles (0.00044%); highest among the groups gnomAD compares: Non-Finnish European, 0.00051%; no homozygotes.

Submissions (3):

Labcorp Genetics (formerly Invitae), Labcorp
Classification: Likely benign for Arrhythmogenic right ventricular dysplasia 9. Last evaluated: 2024-03-04. Review status: criteria provided, single submitter. Criteria: Invitae Variant Classification Sherloc (09022015). Collection method: clinical testing. Allele origin: germline.

All of Us Research Program, National Institutes of Health
Classification: Uncertain significance for Arrhythmogenic right ventricular cardiomyopathy. Last evaluated: 2023-12-18. Review status: criteria provided, single submitter. Criteria: ACMG Guidelines, 2015. Collection method: clinical testing. Allele origin: germline. Inheritance: Autosomal dominant inheritance. Observed: 2 variant alleles, 2 heterozygotes.
Comment: This variant is located in the PKP2 protein. To our knowledge, functional studies have not been reported for this variant. This variant has not been reported in individuals affected with PKP2-related disorders in the literature. This variant has been identified in 2/282586 chromosomes in the general population by the Genome Aggregation Database (gnomAD). The available evidence is insufficient to determine the role of this variant in disease conclusively. Therefore, this variant is classified as a Variant of Uncertain Significance.

This study involves interpretation of variants in research participants for the purpose of population health screening. Participant phenotype was not available at the time of variant classification. Additional details can be found in publication PMID: 35346344, PMCID: PMC8962531

Color Diagnostics, LLC DBA Color Health
Classification: Uncertain significance for Cardiomyopathy. Last evaluated: 2023-07-26. Review status: criteria provided, single submitter. Criteria: ACMG Guidelines, 2015. Collection method: clinical testing. Allele origin: germline.
Comment: This variant is located in the PKP2 protein. To our knowledge, functional studies have not been reported for this variant. This variant has not been reported in individuals affected with PKP2-related disorders in the literature. This variant has been identified in 2/282586 chromosomes in the general population by the Genome Aggregation Database (gnomAD). The available evidence is insufficient to determine the role of this variant in disease conclusively. Therefore, this variant is classified as a Variant of Uncertain Significance.